The following is an entry in ClinVar:

ClinVar aggregate classification (germline): Uncertain significance (1 of 4 stars; one submission).

Conditions:
Fabry disease. Also called: ALPHA-GALACTOSIDASE A DEFICIENCY; ANDERSON-FABRY DISEASE; CERAMIDE TRIHEXOSIDASE DEFICIENCY; GLA DEFICIENCY; HEREDITARY DYSTOPIC LIPIDOSIS; Fabry's disease. Identifiers: Orphanet 324, MedGen C0002986, MONDO:0010526, OMIM 301500, HP:0001071. Disease mechanism: Fabry disease is due to inactivating mutations in the X-linked GLA gene resulting in deficiency of the enzyme Alpha Galactosidase-A., loss of function.

Submission:

Labcorp Genetics (formerly Invitae), Labcorp
Classification: Uncertain significance for Fabry disease. Last evaluated: 2019-12-18. Review status: criteria provided, single submitter. Criteria: Invitae Variant Classification Sherloc (09022015). Collection method: clinical testing. Allele origin: germline.
Comment: This sequence change replaces serine with proline at codon 201 of the GLA protein (p.Ser201Pro). The serine residue is highly conserved and there is a moderate physicochemical difference between serine and proline. In summary, the available evidence is currently insufficient to determine the role of this variant in disease. Therefore, it has been classified as a Variant of Uncertain Significance. This variant disrupts the p.Ser201 amino acid residue in GLA. Other variant(s) that disrupt this residue have been observed in individuals with GLA-related conditions (PMID: 16595074), which suggests that this may be a clinically significant amino acid residue. Algorithms developed to predict the effect of missense changes on protein structure and function (SIFT, PolyPhen-2, Align-GVGD) all suggest that this variant is likely to be disruptive, but these predictions have not been confirmed by published functional studies and their clinical significance is uncertain. This variant has not been reported in the literature in individuals with GLA-related conditions. This variant is not present in population databases (ExAC no frequency).

Literature cited by the submitters: PubMed 16595074.

NM_000169.3(GLA):c.601T>C (p.Ser201Pro)

Genes: GLA (galactosidase alpha; minus strand), RPL36A-HNRNPH2 (RPL36A-HNRNPH2 readthrough; plus strand). Cytogenetic location: Xq22.1.
Variant type: single nucleotide variant.
Coding change: c.601T>C on transcript NM_000169.3 (MANE Select); coding-DNA position 601, T replaced by C.
Protein change: p.Ser201Pro; replaces serine 201 with proline.
Molecular consequence: missense variant. On other transcripts: non-coding transcript variant (2), intron variant (2).
Genome position (GRCh38, 1-based): chrX:101,400,704, A>G on the plus strand (T>C on the coding strand, the complement: GLA is on the minus strand). VCF-style: chrX-101400704-A-G. GRCh37 (hg19) VCF-style: chrX-100655692-A-G.
Other names: c.724T>C, p.Ser242Pro (NM_001406747.1); c.601T>C, p.Ser201Pro (NM_001406748.1); c.300+5247A>G (NM_001199973.2); c.177+8882A>G (NM_001199974.2); short protein forms S201P, S242P.
Identifiers: ClinVar variation 854772 (VCV000854772.17), dbSNP rs782164447, ClinGen allele CA413927392.